The following is an entry in ClinVar:

ClinVar aggregate classification (germline): Uncertain significance. Review status: criteria provided, multiple submitters, no conflicts (2 of 4 stars). 2 submissions from 2 submitters: Uncertain significance (2). Last evaluated 2024-08-28.

Conditions:
Inborn genetic diseases. Identifiers: MedGen C0950123, MeSH D030342.

Allele frequency attached by ClinVar (database versions not stated): gnomAD 0.00006; TOPMed 0.00006; ESP Exome Variant Server 0.00008; gnomAD exomes 0.00012; ExAC 0.00013; 1000 Genomes Project 0.00020; 1000 Genomes Project 30x 0.00031.
gnomAD v4.1: 186 of 1,614,006 alleles (0.012%); highest among the groups gnomAD compares: South Asian, 0.042%; 1 homozygote.

Submissions (2):

Ambry Genetics
Classification: Uncertain significance for Inborn genetic diseases. Last evaluated: 2024-08-28. Review status: criteria provided, single submitter. Criteria: Ambry Variant Classification Scheme 2023. Collection method: clinical testing. Allele origin: germline.

Labcorp Genetics (formerly Invitae), Labcorp
Classification: Uncertain significance. Last evaluated: 2022-04-28. Review status: criteria provided, single submitter. Criteria: Invitae Variant Classification Sherloc (09022015). Collection method: clinical testing. Allele origin: germline.
Comment: This sequence change replaces aspartic acid, which is acidic and polar, with asparagine, which is neutral and polar, at codon 1672 of the C2CD3 protein (p.Asp1672Asn). This variant is present in population databases (rs139653763, gnomAD 0.03%). This variant has not been reported in the literature in individuals affected with C2CD3-related conditions. Algorithms developed to predict the effect of missense changes on protein structure and function output the following: SIFT: "Tolerated"; PolyPhen-2: "Benign"; Align-GVGD: "Class C0". The asparagine amino acid residue is found in multiple mammalian species, which suggests that this missense change does not adversely affect protein function. In summary, the available evidence is currently insufficient to determine the role of this variant in disease. Therefore, it has been classified as a Variant of Uncertain Significance.

NM_001286577.2(C2CD3):c.5014G>A (p.Asp1672Asn)

Gene: C2CD3 (C2 domain containing 3 centriole elongation regulator; minus strand). Cytogenetic location: 11q13.4.
Variant type: single nucleotide variant.
Coding change: c.5014G>A on transcript NM_001286577.2 (MANE Select); coding-DNA position 5014, G replaced by A.
Protein change: p.Asp1672Asn; replaces aspartic acid 1672 with asparagine.
Molecular consequence: missense variant.
Genome position (GRCh38, 1-based): chr11:74,057,482, C>T on the plus strand (G>A on the coding strand, the complement: C2CD3 is on the minus strand). VCF-style: chr11-74057482-C-T. GRCh37 (hg19) VCF-style: chr11-73768527-C-T.
Other names: c.5014G>A, p.Asp1672Asn (NM_015531.6); c.5014G>A (NM_015531.4); short protein forms D1672N.
Identifiers: ClinVar variation 1909546 (VCV001909546.3), dbSNP rs139653763, ClinGen allele CA6182009.